The following is an entry in ClinVar:

ClinVar aggregate classification (germline): Uncertain significance (1 of 4 stars; one submission).

Conditions:
Hyper-IgM syndrome type 5 (HIGM5). Also called: Hyper-IgM Immunodeficiency Syndrome, Type 5. Identifiers: Orphanet 101092, MedGen C1720958, MONDO:0011971, OMIM 608106.

Allele frequency attached by ClinVar (database versions not stated): gnomAD exomes below 0.00001; TOPMed below 0.00001.
gnomAD v4.1: 3 of 1,614,184 alleles (0.00019%); highest among the groups gnomAD compares: Non-Finnish European, 0.00025%; no homozygotes.

Submission:

Labcorp Genetics (formerly Invitae), Labcorp
Classification: Uncertain significance for Hyper-IgM syndrome type 5. Last evaluated: 2019-07-30. Review status: criteria provided, single submitter. Criteria: Invitae Variant Classification Sherloc (09022015). Collection method: clinical testing. Allele origin: germline.
Comment: This sequence change replaces valine with glycine at codon 218 of the UNG protein (p.Val218Gly). The valine residue is highly conserved and there is a moderate physicochemical difference between valine and glycine. This variant is not present in population databases (ExAC no frequency). This variant has not been reported in the literature in individuals with UNG-related conditions. Algorithms developed to predict the effect of missense changes on protein structure and function are either unavailable or do not agree on the potential impact of this missense change (SIFT: "Deleterious"; PolyPhen-2: "Probably Damaging"; Align-GVGD: "Class C0"). In summary, the available evidence is currently insufficient to determine the role of this variant in disease. Therefore, it has been classified as a Variant of Uncertain Significance.

NM_080911.3(UNG):c.653T>G (p.Val218Gly)

Gene: UNG (uracil DNA glycosylase; plus strand). Cytogenetic location: 12q24.11.
Variant type: single nucleotide variant.
Coding change: c.653T>G on transcript NM_080911.3 (MANE Select); coding-DNA position 653, T replaced by G.
Protein change: p.Val218Gly; replaces valine 218 with glycine.
Molecular consequence: missense variant.
Genome position (GRCh38, 1-based): chr12:109,103,463, T>G. VCF-style: chr12-109103463-T-G. GRCh37 (hg19) VCF-style: chr12-109541268-T-G.
Other names: c.626T>G, p.Val209Gly (NM_003362.4); short protein forms V209G, V218G.
Identifiers: ClinVar variation 955606 (VCV000955606.1), dbSNP rs1357632504, ClinGen allele CA386473499.